The following is an entry in ClinVar:

ClinVar aggregate classification (germline): Likely benign. Review status: criteria provided, multiple submitters, no conflicts (2 of 4 stars). 2 submissions from 2 submitters: Likely benign (2). Last evaluated 2025-09-30.

Conditions:
Atypical hemolytic-uremic syndrome. Identifiers: Orphanet 2134, MedGen C2931788, MONDO:0016244.

Allele frequency attached by ClinVar (database versions not stated): TOPMed below 0.00001; gnomAD 0.00001; gnomAD exomes 0.00002; ExAC 0.00008; 1000 Genomes Project 30x 0.00047.
gnomAD v4.1: 36 of 1,614,172 alleles (0.0022%); highest among the groups gnomAD compares: South Asian, 0.037%; no homozygotes.

Submissions (2):

Genomenon, Inc
Classification: Likely benign for Atypical hemolytic-uremic syndrome. Last evaluated: 2025-09-30. Review status: criteria provided, single submitter. Criteria: Genomenon Sequence Variant Interpretation Standards. Collection method: curation. Allele origin: germline. Affected: yes.
Comment: C3 p.Gly1572= (c.4716C>T) is a synonymous variant that retains Glycine at residue 1572. This variant has been observed in at least one proband affected with atypical hemolytic-uremic syndrome (PMID:35615072). This synonymous variant is not predicted to impact splicing. It is absent or not present at a significant frequency in gnomAD. In conclusion, we classify C3 p.Gly1572= (c.4716C>T) as a likely benign variant.

Labcorp Genetics (formerly Invitae), Labcorp
Classification: Likely benign. Last evaluated: 2022-10-08. Review status: criteria provided, single submitter. Criteria: Invitae Variant Classification Sherloc (09022015). Collection method: clinical testing. Allele origin: germline.

Literature cited by the submitters: PubMed 35615072 (cited by Genomenon, Inc).

NM_000064.4(C3):c.4716C>T (p.Gly1572=)

Gene: C3 (complement C3; minus strand). Cytogenetic location: 19p13.3.
Variant type: single nucleotide variant.
Coding change: c.4716C>T on transcript NM_000064.4 (MANE Select); coding-DNA position 4716, C replaced by T.
Protein change: p.Gly1572=; no amino-acid change (glycine 1572 retained).
Molecular consequence: synonymous variant.
Genome position (GRCh38, 1-based): chr19:6,678,286, G>A on the plus strand (C>T on the coding strand, the complement: C3 is on the minus strand). VCF-style: chr19-6678286-G-A. GRCh37 (hg19) VCF-style: chr19-6678297-G-A.
Identifiers: ClinVar variation 2085392 (VCV002085392.5), dbSNP rs760015509, ClinGen allele CA9128273.